The following is an entry in ClinVar:

ClinVar aggregate classification (germline): Uncertain significance. Review status: criteria provided, multiple submitters, no conflicts (2 of 4 stars). 3 submissions from 3 submitters: Uncertain significance (3). Last evaluated 2023-04-09.

Conditions:
Fanconi anemia (FA). Also called: Fanconi's anemia. Identifiers: Orphanet 84, MedGen C0015625, MeSH D005199, MONDO:0019391.
Spermatogenic failure 28. Identifiers: MedGen C4748117, MONDO:0054732, OMIM 618086.
Premature ovarian failure 15. Identifiers: MedGen C4748170, MONDO:0054862, OMIM 618096.

Submissions (3):

Labcorp Genetics (formerly Invitae), Labcorp
Classification: Uncertain significance for Fanconi anemia. Last evaluated: 2023-04-09. Review status: criteria provided, single submitter. Criteria: Invitae Variant Classification Sherloc (09022015). Collection method: clinical testing. Allele origin: germline.
Comment: In summary, the available evidence is currently insufficient to determine the role of this variant in disease. Therefore, it has been classified as a Variant of Uncertain Significance. Experimental studies and prediction algorithms are not available or were not evaluated, and the functional significance of this variant is currently unknown. ClinVar contains an entry for this variant (Variation ID: 945975). This variant is also known as p.Asp438_Asn440del. This variant has been observed in individual(s) with malignant pleural mesothelioma (PMID: 28687356). This variant is present in population databases (rs771036341, gnomAD 0.005%). This variant, c.1320_1325del, results in the deletion of 2 amino acid(s) of the FANCM protein (p.Asn440_Lys441del), but otherwise preserves the integrity of the reading frame.

GeneDx
Classification: Uncertain significance. Last evaluated: 2023-03-21. Review status: criteria provided, single submitter. Criteria: GeneDx Variant Classification Process June 2021. Collection method: clinical testing. Allele origin: germline. Affected: yes.
Comment: In-frame deletion of 2 amino acids in a non-repeat region; In silico analysis supports a deleterious effect on protein structure/function; Observed in individuals with malignant pleural mesothelioma (Betti et al., 2017); Not observed at significant frequency in large population cohorts (gnomAD); This variant is associated with the following publications: (PMID: 28687356)

Fulgent Genetics
Classification: Uncertain significance for Spermatogenic failure 28; Premature ovarian failure 15. Last evaluated: 2022-02-05. Review status: criteria provided, single submitter. Criteria: ACMG Guidelines, 2015. Collection method: clinical testing. Allele origin: unknown.

Literature cited by the submitters: PubMed 28687356 (cited by Labcorp Genetics (formerly Invitae), Labcorp).

NM_020937.4(FANCM):c.1314TAAAAA[1] (p.Asn440_Lys441del)

Gene: FANCM (FA complementation group M; plus strand). Cytogenetic location: 14q21.2.
Variant type: Microsatellite.
Coding change: c.1314TAAAAA[1] on transcript NM_020937.4 (MANE Select); one copy of the 6-base unit TAAAAA starting at c.1314; the reference has two copies in a row; one copy, 6 bases deleted; also written c.1320_1325del.
Protein change: p.Asn440_Lys441del.
Molecular consequence: inframe deletion.
Genome position (GRCh38, 1-based): chr14:45,155,383-45,155,388, TAAAAA deleted; deleting any 6 consecutive bases within chr14:45,155,376-45,155,388 gives the same sequence; the position shown is the placement nearest the transcript's 3' end. VCF-style (leftmost placement, unchanged base first): chr14-45155375-GATAAAA-G. GRCh37 (hg19) VCF-style: chr14-45624578-GATAAAA-G.
Other names: c.1236TAAAAA[1], p.Asn414_Lys415del (NM_001308133.2); c.1314TAAAAA[1], p.Asn440_Lys441del (NM_001308134.2); c.1320_1325delTAAAAA (NM_020937.2); c.1320_1325del (NM_020937.4).
Identifiers: ClinVar variation 945975 (VCV000945975.12), dbSNP rs771036341, ClinGen allele CA7169018.